The following is an entry in ClinVar:

NM_001710.6(CFB):c.1271-1G>A

Gene: CFB (complement factor B; plus strand). Cytogenetic location: 6p21.33.
Variant type: single nucleotide variant.
Coding change: c.1271-1G>A on transcript NM_001710.6 (MANE Select); the canonical splice acceptor site of the intron before coding-DNA position 1271, G replaced by A.
Molecular consequence: splice acceptor variant.
Genome position (GRCh38, 1-based): chr6:31,949,419, G>A. VCF-style: chr6-31949419-G-A. GRCh37 (hg19) VCF-style: chr6-31917196-G-A.
Identifiers: ClinVar variation 1510474 (VCV001510474.6), dbSNP rs2151785221, ClinGen allele CA363402596.

ClinVar aggregate classification (germline): Uncertain significance (1 of 4 stars; one submission).

Submission:

Labcorp Genetics (formerly Invitae), Labcorp
Classification: Uncertain significance. Last evaluated: 2022-07-19. Review status: criteria provided, single submitter. Criteria: Invitae Variant Classification Sherloc (09022015). Collection method: clinical testing. Allele origin: germline.
Comment: ClinVar contains an entry for this variant (Variation ID: 1510474). This variant has not been reported in the literature in individuals affected with CFB-related conditions. This variant is not present in population databases (gnomAD no frequency). This sequence change affects an acceptor splice site in intron 9 of the CFB gene. It is expected to disrupt RNA splicing. Variants that disrupt the donor or acceptor splice site typically lead to a loss of protein function (PMID: 16199547), however the current clinical and genetic evidence is not sufficient to establish whether loss-of-function variants in CFB cause disease. Algorithms developed to predict the effect of sequence changes on RNA splicing suggest that this variant may disrupt the consensus splice site. In summary, the available evidence is currently insufficient to determine the role of this variant in disease. Therefore, it has been classified as a Variant of Uncertain Significance.

Literature cited by the submitters: PubMed 16199547.